The following is an entry in ClinVar:

NM_000459.5(TEK):c.1949_1950insA (p.Thr651fs)

Gene: TEK (TEK receptor tyrosine kinase; plus strand). Cytogenetic location: 9p21.2.
Variant type: Insertion.
Coding change: c.1949_1950insA on transcript NM_000459.5 (MANE Select); coding-DNA positions 1949 to 1950, A inserted.
Protein change: p.Thr651fs; shifts the reading frame from threonine 651.
Molecular consequence: frameshift variant.
Genome position: GRCh38 VCF-style: chr9-27202859-T-TA. GRCh37 (hg19) VCF-style: chr9-27202857-T-TA.
Other names: c.1820_1821insA, p.Thr608Tyrfs (NM_001290077.2); c.1508_1509insA, p.Thr504Tyrfs (NM_001290078.2); c.1949_1950insA, p.Thr651fs (NM_001375475.1); c.1820_1821insA, p.Thr608fs (NM_001375476.1); short protein forms T504fs, T608fs, T651fs.
Identifiers: ClinVar variation 2659136 (VCV002659136.24), dbSNP rs2488964683, ClinGen allele CA2695201542.

ClinVar aggregate classification (germline): Likely pathogenic (1 of 4 stars; one submission).

Submission:

CeGaT Center for Human Genetics Tuebingen
Classification: Likely pathogenic. Last evaluated: 2022-03-01. Review status: criteria provided, single submitter. Criteria: CeGaT Center For Human Genetics Tuebingen Variant Classification Criteria Version 2. Collection method: clinical testing. Allele origin: germline. Affected: yes. Observed: 1 variant allele.
Comment: TEK: PS2, PM2